The following is an entry in ClinVar:

NM_016373.4(WWOX):c.928C>T (p.Arg310Cys)

Gene: WWOX (WW domain containing oxidoreductase; plus strand). Cytogenetic location: 16q23.1.
Variant type: single nucleotide variant.
Coding change: c.928C>T on transcript NM_016373.4 (MANE Select); coding-DNA position 928, C replaced by T.
Protein change: p.Arg310Cys; replaces arginine 310 with cysteine.
Molecular consequence: missense variant.
Genome position (GRCh38, 1-based): chr16:78,432,624, C>T. VCF-style: chr16-78432624-C-T. GRCh37 (hg19) VCF-style: chr16-78466521-C-T.
Other names: c.589C>T, p.Arg197Cys (NM_001291997.2); short protein forms R197C, R310C.
Identifiers: ClinVar variation 655273 (VCV000655273.33), dbSNP rs193001955, ClinGen allele CA8183557.
Genomic context (GRCh38, chr16:78,432,624, plus strand): 5'-ATGCTGGCTTATAACAGGTCCAAGCTCTGCAACATCCTCTTCTCCAACGAGCTGCACCGT[C>T]GCCTCTCCCCACGCGGGGTCACGTCGAACGCAGTGCATCCTGGAAATATGATGTACTCCA-3'
Protein context (NP_057457.1, residues 300-320): NILFSNELHR[Arg310Cys]LSPRGVTSNA

ClinVar aggregate classification (germline): Conflicting classifications of pathogenicity. Review status: criteria provided, conflicting classifications (1 of 4 stars). 7 submissions from 7 submitters: Likely pathogenic (1); Uncertain significance (6). Last evaluated 2025-07-14.

Conditions:
Autosomal recessive spinocerebellar ataxia 12. Also called: SPINOCEREBELLAR ATAXIA WITH MENTAL RETARDATION AND EPILEPSY. Identifiers: Orphanet 284282, MedGen C3280452, MONDO:0013687, OMIM 614322.
Developmental and epileptic encephalopathy, 1 (DEE1). Also called: X-linked infantile spasms; West's syndrome; Tonic spasms with clustering, arrest of psychomotor development and hypsarrhythmia on EEG; X-Linked Infantile Spasm Syndrome; INFANTILE SPASM SYNDROME, X-LINKED 1; Epileptic encephalopathy, early infantile, 1. Identifiers: MedGen C3463992, MONDO:0010632, OMIM 308350. Disease mechanism: loss of function.
Developmental and epileptic encephalopathy, 28 (DEE28). Also called: Epileptic encephalopathy, early infantile, 28. Identifiers: Orphanet 442835, MedGen C4015519, MONDO:0014533, OMIM 616211.

Allele frequency attached by ClinVar (database versions not stated): gnomAD 0.00024 and 0.00027; TOPMed 0.00027; gnomAD exomes 0.00030 and 0.00038; ExAC 0.00036; ESP Exome Variant Server 0.00040; 1000 Genomes Project 0.00060; 1000 Genomes Project 30x 0.00078.
gnomAD v4.1: 583 of 1,614,230 alleles (0.036%); highest among the groups gnomAD compares: South Asian, 0.098%; 2 homozygotes.

Submissions (7):

Revvity Omics, Revvity
Classification: Uncertain significance. Last evaluated: 2025-07-14. Review status: criteria provided, single submitter. Criteria: ACMG Guidelines, 2015. Collection method: clinical testing. Allele origin: germline.

GeneDx
Classification: Uncertain significance. Last evaluated: 2025-07-09. Review status: criteria provided, single submitter. Criteria: GeneDx Variant Classification Process June 2021. Collection method: clinical testing. Allele origin: germline. Affected: yes.
Comment: In silico analysis supports that this missense variant has a deleterious effect on protein structure/function; Has not been previously published as pathogenic or benign in association with WWOX-related neurodevelopmental and movement disorder to our knowledge; This variant is associated with the following publications: (PMID: 25411445, 33525650, 26762739)

Labcorp Genetics (formerly Invitae), Labcorp
Classification: Uncertain significance for Developmental and epileptic encephalopathy, 1; Autosomal recessive spinocerebellar ataxia 12. Last evaluated: 2025-02-03. Review status: criteria provided, single submitter. Criteria: Invitae Variant Classification Sherloc (09022015). Collection method: clinical testing. Allele origin: germline.
Comment: This sequence change replaces arginine, which is basic and polar, with cysteine, which is neutral and slightly polar, at codon 310 of the WWOX protein (p.Arg310Cys). This variant is present in population databases (rs193001955, gnomAD 0.1%). This variant has not been reported in the literature in individuals affected with WWOX-related conditions. ClinVar contains an entry for this variant (Variation ID: 655273). Invitae Evidence Modeling of protein sequence and biophysical properties (such as structural, functional, and spatial information, amino acid conservation, physicochemical variation, residue mobility, and thermodynamic stability) has been performed for this missense variant. However, the output from this modeling did not meet the statistical confidence thresholds required to predict the impact of this variant on WWOX protein function. In summary, the available evidence is currently insufficient to determine the role of this variant in disease. Therefore, it has been classified as a Variant of Uncertain Significance.

Blueprint Genetics
Classification: Uncertain significance. Last evaluated: 2024-11-04. Review status: criteria provided, single submitter. Criteria: ACMG Guidelines, 2015. Collection method: clinical testing. Allele origin: germline.

3billion
Classification: Likely pathogenic for Developmental and epileptic encephalopathy, 28. Last evaluated: 2024-10-18. Review status: criteria provided, single submitter. Criteria: ACMG Guidelines, 2015. Collection method: clinical testing. Allele origin: germline. Affected: yes.
Comment: The variant is observed at an extremely low frequency in the gnomAD v4.1.0 dataset (total allele frequency: 0.036%). Predicted Consequence/Location: Missense variant. The majority of the known disease-causing variants of this gene are variants expected to result in premature termination of the protein. In silico tool predictions suggest damaging effect of the variant on gene or gene product [REVEL: 0.85 (>=0.6, sensitivity 0.68 and specificity 0.92)]. The variant has been observed in multiple (>3) similarly affected unrelated individuals (PMID: 31327507). A different missense change at the same codon (p.Arg310Pro) has been reported to be associated with WWOX related disorder (ClinVar ID: VCV001339503). Therefore, this variant is classified as Likely pathogenic according to the recommendation of ACMG/AMP guideline.

CeGaT Center for Human Genetics Tuebingen
Classification: Uncertain significance. Last evaluated: 2024-09-01. Review status: criteria provided, single submitter. Criteria: CeGaT Center For Human Genetics Tuebingen Variant Classification Criteria Version 2. Collection method: clinical testing. Allele origin: germline. Affected: yes. Observed: 1 variant allele.

Mayo Clinic Laboratories, Mayo Clinic
Classification: Uncertain significance. Last evaluated: 2019-04-15. Review status: criteria provided, single submitter. Criteria: ACMG Guidelines, 2015. Collection method: clinical testing. Allele origin: germline. Observed: 1 variant allele.

Literature cited by the submitters: PubMed 31327507 (cited by 3billion).